The following is an entry in ClinVar:

NM_198578.4(LRRK2):c.2549G>A (p.Ser850Asn)

Gene: LRRK2 (leucine rich repeat kinase 2; plus strand). Cytogenetic location: 12q12.
Variant type: single nucleotide variant.
Coding change: c.2549G>A on transcript NM_198578.4 (MANE Select); coding-DNA position 2549, G replaced by A.
Protein change: p.Ser850Asn; replaces serine 850 with asparagine.
Molecular consequence: missense variant.
Genome position (GRCh38, 1-based): chr12:40,287,399, G>A. VCF-style: chr12-40287399-G-A. GRCh37 (hg19) VCF-style: chr12-40681201-G-A.
Other names: short protein forms S850N.
Identifiers: ClinVar variation 3540589 (VCV003540589.1).

ClinVar aggregate classification (germline): Uncertain significance (1 of 4 stars; one submission).

Conditions:
Inborn genetic diseases. Identifiers: MedGen C0950123, MeSH D030342.

Submission:

Ambry Genetics
Classification: Uncertain significance for Inborn genetic diseases. Last evaluated: 2024-07-23. Review status: criteria provided, single submitter. Criteria: Ambry Variant Classification Scheme 2023. Collection method: clinical testing. Allele origin: germline.
Comment: The p.S850N variant (also known as c.2549G>A), located in coding exon 20 of the LRRK2 gene, results from a G to A substitution at nucleotide position 2549. The serine at codon 850 is replaced by asparagine, an amino acid with highly similar properties. This amino acid position is conserved. In addition, this alteration is predicted to be tolerated by in silico analysis. Based on the available evidence, the clinical significance of this variant remains unclear.